The following is an entry in ClinVar:

ClinVar aggregate classification (germline): Benign. Review status: criteria provided, multiple submitters, no conflicts (2 of 4 stars). 2 submissions from 2 submitters: Benign (2). Last evaluated 2018-01-12.

Conditions:
Arterial tortuosity syndrome (ATORS). Identifiers: Orphanet 3342, MedGen C1859726, MONDO:0008818, OMIM 208050.

Allele frequency attached by ClinVar (database versions not stated): gnomAD 0.40283 and 0.40603; TOPMed 0.40323; 1000 Genomes Project 30x 0.41864; 1000 Genomes Project 0.42372.

Submissions (2):

Illumina Laboratory Services, Illumina
Classification: Benign for Arterial tortuosity syndrome. Last evaluated: 2018-01-12. Review status: criteria provided, single submitter. Criteria: ICSL Variant Classification Criteria 13 December 2019. Collection method: clinical testing. Allele origin: germline.
Comment: This variant was observed in the ICSL laboratory as part of a predisposition screen in an ostensibly healthy population. It had not been previously curated by ICSL or reported in the Human Gene Mutation Database (HGMD: prior to June 1st, 2018), and was therefore a candidate for classification through an automated scoring system. Utilizing variant allele frequency, disease prevalence and penetrance estimates, and inheritance mode, an automated score was calculated to assess if this variant is too frequent to cause the disease. Based on the score and internal cut-off values, a variant classified as benign is not then subjected to further curation. The score for this variant resulted in a classification of benign for this disease.

Breakthrough Genomics
Classification: Benign. Review status: criteria provided, single submitter. Criteria: ACMG Guidelines, 2015. Collection method: not provided. Allele origin: germline. Inheritance: Autosomal recessive inheritance. Affected: yes.

NM_030777.4(SLC2A10):c.*2285T>G

Gene: SLC2A10 (solute carrier family 2 member 10; plus strand). Cytogenetic location: 20q13.12.
Variant type: single nucleotide variant.
Coding change: c.*2285T>G on transcript NM_030777.4 (MANE Select); 2285 bases downstream of the stop codon, T replaced by G.
Molecular consequence: 3 prime UTR variant.
Genome position (GRCh38, 1-based): chr20:46,736,119, T>G. VCF-style: chr20-46736119-T-G. GRCh37 (hg19) VCF-style: chr20-45364758-T-G.
Identifiers: ClinVar variation 338634 (VCV000338634.6), dbSNP rs1136540, ClinGen allele CA10652589.